The following is an entry in ClinVar:

ClinVar aggregate classification (germline): Uncertain significance. Review status: criteria provided, multiple submitters, no conflicts (2 of 4 stars). 2 submissions from 2 submitters: Uncertain significance (2). Last evaluated 2023-04-14.

Conditions:
Developmental and epileptic encephalopathy, 36 (DEE36). Also called: Epileptic encephalopathy, early infantile, 36; ALG13-CDG; Congenital disorder of glycosylation, type Is. Identifiers: Orphanet 324422, MedGen C4317295, MONDO:0010472, OMIM 300884.

gnomAD v4.1: 1 of 1,210,792 alleles (0.000083%); highest among the groups gnomAD compares: Non-Finnish European, 0.00011%; no homozygotes.

Submissions (2):

Blueprint Genetics
Classification: Uncertain significance. Last evaluated: 2023-04-14. Review status: criteria provided, single submitter. Criteria: ACMG Guidelines, 2015. Collection method: clinical testing. Allele origin: germline.

Labcorp Genetics (formerly Invitae), Labcorp
Classification: Uncertain significance for Developmental and epileptic encephalopathy, 36. Last evaluated: 2021-09-24. Review status: criteria provided, single submitter. Criteria: Invitae Variant Classification Sherloc (09022015). Collection method: clinical testing. Allele origin: germline.
Comment: This sequence change replaces valine with leucine at codon 879 of the ALG13 protein (p.Val879Leu). The valine residue is moderately conserved and there is a small physicochemical difference between valine and leucine. This variant is not present in population databases (ExAC no frequency). This variant has not been reported in the literature in individuals with ALG13-related conditions. Algorithms developed to predict the effect of missense changes on protein structure and function (SIFT, PolyPhen-2, Align-GVGD) all suggest that this variant is likely to be tolerated, but these predictions have not been confirmed by published functional studies and their clinical significance is uncertain. In summary, the available evidence is currently insufficient to determine the role of this variant in disease. Therefore, it has been classified as a Variant of Uncertain Significance.

NM_001099922.3(ALG13):c.2635G>C (p.Val879Leu)

Gene: ALG13 (ALG13 UDP-N-acetylglucosaminyltransferase subunit; plus strand). Cytogenetic location: Xq23.
Variant type: single nucleotide variant.
Coding change: c.2635G>C on transcript NM_001099922.3 (MANE Select); coding-DNA position 2635, G replaced by C.
Protein change: p.Val879Leu; replaces valine 879 with leucine.
Molecular consequence: missense variant. On other transcripts: non-coding transcript variant (1).
Genome position (GRCh38, 1-based): chrX:111,736,819, G>C. VCF-style: chrX-111736819-G-C. GRCh37 (hg19) VCF-style: chrX-110980047-G-C.
Other names: c.2323G>C, p.Val775Leu (NM_001257230.2, NM_001257234.2, NM_001257237.2); c.2401G>C, p.Val801Leu (NM_001257231.2); c.2635G>C, p.Val879Leu (NM_001324292.2); c.2149G>C, p.Val717Leu (NM_001324293.1); short protein forms V879L, V775L, V717L, V801L.
Identifiers: ClinVar variation 1357059 (VCV001357059.6), dbSNP rs2148332060, ClinGen allele CA414254516.
Genomic context (GRCh38, chrX:111,736,819, plus strand): 5'-GTTCCAGCTCCAGTCTTATCTAACGGTGCAGCGGCTAATCAAGCTATTAGTACCACTTCA[G>C]TTTCCTCACAGAATGCTATACAGCCTCTCTTTGTATCTCCACCTACACACGGCAGGCCAG-3'
Protein context (NP_001093392.1, residues 869-889): AANQAISTTS[Val879Leu]SSQNAIQPLF